The following is an entry in ClinVar:

ClinVar aggregate classification (germline): Likely benign (1 of 4 stars; one submission).

Allele frequency attached by ClinVar (database versions not stated): ExAC 0.00003; gnomAD exomes 0.00003; gnomAD 0.00004; ESP Exome Variant Server 0.00008; TOPMed 0.00009.
gnomAD v4.1: 61 of 1,614,048 alleles (0.0038%); highest among the groups gnomAD compares: Middle Eastern, 0.033%; no homozygotes.

Submission:

CeGaT Center for Human Genetics Tuebingen
Classification: Likely benign. Last evaluated: 2025-07-01. Review status: criteria provided, single submitter. Criteria: CeGaT Center For Human Genetics Tuebingen Variant Classification Criteria Version 2. Collection method: clinical testing. Allele origin: germline. Affected: yes. Observed: 2 variant alleles.
Comment: ZNF142: BP4, BP7

NM_001379659.1(ZNF142):c.2526C>T (p.His842=)

Gene: ZNF142 (zinc finger protein 142; minus strand). Cytogenetic location: 2q35.
Variant type: single nucleotide variant.
Coding change: c.2526C>T on transcript NM_001379659.1 (MANE Select); coding-DNA position 2526, C replaced by T.
Protein change: p.His842=; no amino-acid change (histidine 842 retained).
Molecular consequence: synonymous variant.
Genome position (GRCh38, 1-based): chr2:218,644,590, G>A on the plus strand (C>T on the coding strand, the complement: ZNF142 is on the minus strand). VCF-style: chr2-218644590-G-A. GRCh37 (hg19) VCF-style: chr2-219509313-G-A.
Other names: c.1926C>T, p.His642= (NM_001105537.5, NM_001366291.3, NM_001379662.1); c.1437C>T, p.His479= (NM_001366287.3, NM_001366288.3, NM_001366289.3); c.2526C>T, p.His842= (NM_001366290.3, NM_001379660.1, NM_001379661.1).
Identifiers: ClinVar variation 1879520 (VCV001879520.29), dbSNP rs371849645, ClinGen allele CA2109146.